The following is an entry in ClinVar:

NM_014112.5(TRPS1):c.2518_2519del (p.Leu840fs)

Gene: TRPS1 (transcriptional repressor GATA binding 1; minus strand). Cytogenetic location: 8q23.3.
Variant type: Microsatellite.
Coding change: c.2518_2519del on transcript NM_014112.5 (MANE Select); coding-DNA positions 2518 to 2519, 2 bases deleted (CT; older notation c.2518_2519delCT).
Protein change: p.Leu840fs; shifts the reading frame from leucine 840.
Molecular consequence: frameshift variant.
Genome position (GRCh38, 1-based): chr8:115,587,182-115,587,183, AG deleted on the plus strand (CT on the coding strand, the reverse complement: TRPS1 is on the minus strand); deleting any 2 consecutive bases within chr8:115,587,182-115,587,185 gives the same sequence; the c. name uses the placement nearest the transcript's 3' end. VCF-style (leftmost placement, unchanged base first): chr8-115587181-TAG-T. GRCh37 (hg19) VCF-style: chr8-116599408-TAG-T.
Other names: c.2491_2492del, p.Leu831fs (NM_001282902.3); c.2497_2498del, p.Leu833fs (NM_001282903.3); c.2479_2480del, p.Leu827fs (NM_001330599.2); short protein forms L840fs, L827fs, L831fs, L833fs.
Identifiers: ClinVar variation 1458851 (VCV001458851.6), dbSNP rs2130444163, ClinGen allele CA2580617220.

ClinVar aggregate classification (germline): Pathogenic (1 of 4 stars; one submission).

Conditions:
Trichorhinophalangeal syndrome, type III (TRPS3). Also called: SUGIO-KAJII SYNDROME. Identifiers: Orphanet 77258, MedGen C1860823, OMIM 190351, MONDO:0008597.
Trichorhinophalangeal dysplasia type I (TRPS1). Also called: TRPS I; TRICHORHINOPHALANGEAL SYNDROME, TYPE I. Identifiers: Orphanet 77258, MedGen C0432233, MONDO:0008596, OMIM 190350.

Submission:

Labcorp Genetics (formerly Invitae), Labcorp
Classification: Pathogenic for Trichorhinophalangeal syndrome, type III; Trichorhinophalangeal dysplasia type I. Last evaluated: 2022-07-12. Review status: criteria provided, single submitter. Criteria: Invitae Variant Classification Sherloc (09022015). Collection method: clinical testing. Allele origin: germline.
Comment: For these reasons, this variant has been classified as Pathogenic. This variant has not been reported in the literature in individuals affected with TRPS1-related conditions. This variant is not present in population databases (gnomAD no frequency). This sequence change creates a premature translational stop signal (p.Leu840Lysfs*3) in the TRPS1 gene. It is expected to result in an absent or disrupted protein product. Loss-of-function variants in TRPS1 are known to be pathogenic (PMID: 11112658).

Literature cited by the submitters: PubMed 11112658.